The following is an entry in ClinVar:

ClinVar aggregate classification (germline): Uncertain significance (1 of 4 stars; one submission).

Submission:

Labcorp Genetics (formerly Invitae), Labcorp
Classification: Uncertain significance. Last evaluated: 2022-05-12. Review status: criteria provided, single submitter. Criteria: Invitae Variant Classification Sherloc (09022015). Collection method: clinical testing. Allele origin: germline.
Comment: This variant is not present in population databases (gnomAD no frequency). In summary, the available evidence is currently insufficient to determine the role of this variant in disease. Therefore, it has been classified as a Variant of Uncertain Significance. Advanced modeling of protein sequence and biophysical properties (such as structural, functional, and spatial information, amino acid conservation, physicochemical variation, residue mobility, and thermodynamic stability) performed at Invitae indicates that this missense variant is not expected to disrupt FAT4 protein function. This variant has not been reported in the literature in individuals affected with FAT4-related conditions. This sequence change replaces glutamic acid, which is acidic and polar, with lysine, which is basic and polar, at codon 2571 of the FAT4 protein (p.Glu2571Lys).

NM_001291303.3(FAT4):c.7717G>A (p.Glu2573Lys)

Gene: FAT4 (FAT atypical cadherin 4; plus strand). Cytogenetic location: 4q28.1.
Variant type: single nucleotide variant.
Coding change: c.7717G>A on transcript NM_001291303.3 (MANE Select); coding-DNA position 7717, G replaced by A.
Protein change: p.Glu2573Lys; replaces glutamic acid 2573 with lysine.
Molecular consequence: missense variant.
Genome position (GRCh38, 1-based): chr4:125,448,727, G>A. VCF-style: chr4-125448727-G-A. GRCh37 (hg19) VCF-style: chr4-126369882-G-A.
Other names: c.7717G>A, p.Glu2573Lys (NM_001291285.3); c.7711G>A, p.Glu2571Lys (NM_024582.6); short protein forms E2571K, E2573K.
Identifiers: ClinVar variation 1488749 (VCV001488749.8), dbSNP rs2126056985, ClinGen allele CA358141312.